The following is an entry in ClinVar:

ClinVar aggregate classification (germline): Pathogenic (1 of 4 stars; one submission).

Submission:

Labcorp Genetics (formerly Invitae), Labcorp
Classification: Pathogenic. Last evaluated: 2022-11-01. Review status: criteria provided, single submitter. Criteria: Invitae Variant Classification Sherloc (09022015). Collection method: clinical testing. Allele origin: germline.
Comment: For these reasons, this variant has been classified as Pathogenic. This variant disrupts a region of the TRMU protein in which other variant(s) (c.1102-3C>G) have been determined to be pathogenic (PMID: 21931168). This suggests that this is a clinically significant region of the protein, and that variants that disrupt it are likely to be disease-causing. This sequence change creates a premature translational stop signal (p.Asn347Lysfs*7) in the TRMU gene. While this is not anticipated to result in nonsense mediated decay, it is expected to disrupt the last 75 amino acid(s) of the TRMU protein. This premature translational stop signal has been observed in individual(s) with acute infantile liver failure (PMID: 25665837). This variant is also known as c.1037_1040delTCAA. This variant is not present in population databases (gnomAD no frequency).

Literature cited by the submitters: PubMed 21931168; PubMed 25665837.

NM_018006.5(TRMU):c.1041_1044del (p.Asn347fs)

Gene: TRMU (tRNA mitochondrial 2-thiouridylase; plus strand). Cytogenetic location: 22q13.31.
Variant type: Microsatellite.
Coding change: c.1041_1044del on transcript NM_018006.5 (MANE Select); coding-DNA positions 1041 to 1044, 4 bases deleted (TCAA; older notation c.1041_1044delTCAA).
Protein change: p.Asn347fs; shifts the reading frame from asparagine 347.
Molecular consequence: frameshift variant. On other transcripts: non-coding transcript variant (2), intron variant (2).
Genome position (GRCh38, 1-based): chr22:46,356,012-46,356,015, TCAA deleted; deleting any 4 consecutive bases within chr22:46,356,008-46,356,015 gives the same sequence; the c. name uses the placement nearest the transcript's 3' end. VCF-style (leftmost placement, unchanged base first): chr22-46356007-CTCAA-C. GRCh37 (hg19) VCF-style: chr22-46751904-CTCAA-C.
Other names: c.621_624del, p.Asn207fs (NM_001282783.2); c.1018+424_1018+427del (NM_001282785.2); c.598+424_598+427del (NM_001282784.2); c.*481_*484TCAA[1] (NM_001008568.2); c.*575_*578TCAA[1] (NM_001008570.2); c.699_702del, p.Asn233fs (NM_001282782.2); short protein forms N233fs, N207fs, N347fs.
Identifiers: ClinVar variation 2138457 (VCV002138457.4), dbSNP rs755535065, ClinGen allele CA2577752834.